The following is an entry in ClinVar:

NM_001271938.2(MEGF8):c.4011G>A (p.Thr1337=)

Gene: MEGF8 (multiple EGF like domains 8; plus strand). Cytogenetic location: 19q13.2.
Variant type: single nucleotide variant.
Coding change: c.4011G>A on transcript NM_001271938.2 (MANE Select); coding-DNA position 4011, G replaced by A.
Protein change: p.Thr1337=; no amino-acid change (threonine 1337 retained).
Molecular consequence: synonymous variant.
Genome position (GRCh38, 1-based): chr19:42,354,024, G>A. VCF-style: chr19-42354024-G-A. GRCh37 (hg19) VCF-style: chr19-42858176-G-A.
Other names: c.3810G>A, p.Thr1270= (NM_001410.3).
Identifiers: ClinVar variation 373450 (VCV000373450.5), dbSNP rs149716961, ClinGen allele CA9475137.
Genomic context (GRCh38, chr19:42,354,024, plus strand): 5'-CGGGACCCTCTGTCCCCCACTCACCCTCACCTTCTCCCCCGACAGCAGCACCCCCTGCAC[G>A]GTGAGCACTGAGGAAACGAGGGTTCAGGCGCATGAGCCAGAACCGTGTCCCCTGACCCAG-3'
Protein context (NP_001258867.1, residues 1327-1347): TFSPDSSTPC[Thr1337=]LSYVLAFDGF

ClinVar aggregate classification (germline): Uncertain significance. Review status: criteria provided, multiple submitters, no conflicts (2 of 4 stars). 3 submissions from 3 submitters: Uncertain significance (3). Last evaluated 2024-10-10.

Conditions:
MEGF8-related Carpenter syndrome. Also called: Carpenter syndrome 2. Identifiers: Orphanet 65759, MedGen C3554247, MONDO:0013998, OMIM 614976.

Allele frequency attached by ClinVar (database versions not stated): gnomAD 0.00016 and 0.00017; TOPMed 0.00020; ESP Exome Variant Server 0.00023.
gnomAD v4.1: 405 of 1,584,994 alleles (0.026%); highest among the groups gnomAD compares: Non-Finnish European, 0.034%; no homozygotes.

Submissions (3):

Blueprint Genetics
Classification: Uncertain significance. Last evaluated: 2024-10-10. Review status: criteria provided, single submitter. Criteria: ACMG Guidelines, 2015. Collection method: clinical testing. Allele origin: germline.

Labcorp Genetics (formerly Invitae), Labcorp
Classification: Uncertain significance for MEGF8-related Carpenter syndrome. Last evaluated: 2022-06-13. Review status: criteria provided, single submitter. Criteria: Invitae Variant Classification Sherloc (09022015). Collection method: clinical testing. Allele origin: germline.
Comment: This sequence change affects codon 1270 of the MEGF8 mRNA. It is a 'silent' change, meaning that it does not change the encoded amino acid sequence of the MEGF8 protein. This variant also falls at the last nucleotide of exon 21, which is part of the consensus splice site for this exon. This variant is present in population databases (rs149716961, gnomAD 0.02%). This variant has not been reported in the literature in individuals affected with MEGF8-related conditions. ClinVar contains an entry for this variant (Variation ID: 373450). Variants that disrupt the consensus splice site are a relatively common cause of aberrant splicing (PMID: 17576681, 9536098). Algorithms developed to predict the effect of sequence changes on RNA splicing suggest that this variant may disrupt the consensus splice site. In summary, the available evidence is currently insufficient to determine the role of this variant in disease. Therefore, it has been classified as a Variant of Uncertain Significance.

GeneDx
Classification: Uncertain significance. Last evaluated: 2016-11-22. Review status: criteria provided, single submitter. Criteria: GeneDx Variant Classification (06012015). Collection method: clinical testing. Allele origin: germline. Affected: yes.
Comment: A variant of uncertain significance has been identified in the MEGF8 gene. The c.3810 G>A variant has not been published as a pathogenic variant, nor has it been reported as a benign variant to our knowledge. It was not observed with any significant frequency in approximately 6,500 individuals of European and African American ancestry in the NHLBI Exome Sequencing Project. Several in-silico splice prediction models predict that c.3810 G>A destroys the natural splice donor site of intron 21 which may lead to abnormal gene splicing. However, in the absence of RNA/functional studies, the actual effect of this sequence change in this individual is unknown. Based on the currently available information, it is unclear whether the c.3810 G>A variant is a pathogenic variant or a rare benign variant.

Literature cited by the submitters: PubMed 17576681 (cited by Labcorp Genetics (formerly Invitae), Labcorp); PubMed 9536098 (cited by Labcorp Genetics (formerly Invitae), Labcorp).